The following is an entry in ClinVar:

NM_002294.3(LAMP2):c.56T>G (p.Leu19Arg)

Gene: LAMP2 (lysosomal associated membrane protein 2; minus strand). Cytogenetic location: Xq24.
Variant type: single nucleotide variant.
Coding change: c.56T>G on transcript NM_002294.3 (MANE Select); coding-DNA position 56, T replaced by G.
Protein change: p.Leu19Arg; replaces leucine 19 with arginine.
Molecular consequence: missense variant.
Genome position (GRCh38, 1-based): chrX:120,469,114, A>C on the plus strand (T>G on the coding strand, the complement: LAMP2 is on the minus strand). VCF-style: chrX-120469114-A-C. GRCh37 (hg19) VCF-style: chrX-119602969-A-C.
Other names: c.56T>G, p.Leu19Arg (NM_001122606.1, NM_013995.2); short protein forms L19R.
Identifiers: ClinVar variation 44431 (VCV000044431.4), dbSNP rs397516745, ClinGen allele CA134140.

ClinVar aggregate classification (germline): Uncertain significance (1 of 4 stars; one submission).

Submission:

Laboratory for Molecular Medicine, Mass General Brigham Personalized Medicine
Classification: Uncertain significance. Last evaluated: 2011-02-03. Review status: criteria provided, single submitter. Criteria: LMM Criteria. Collection method: clinical testing. Allele origin: germline. Observed: 1 variant allele.
Comment: Variant classified as Uncertain Significance - Favor Pathogenic. The Leu19Arg va riant has not been reported in the literature and has not been previously detect ed in over 2000 Caucasian chromosomes tested at our laboratory. This low freque ncy supports a pathogenic role as does the fact that it was detected in an indiv idual with a clinical presentation and family history consistent with Danon dise ase. However, although leucine (Leu) at position 19 is conserved among many mam malian species as well as more distant species (chicken, frog), one mammalian sp ecies (elephant) carries a different amino acid, reducing the likelihood that th e change is pathogenic. Importantly, pathogenic missense variants are very rare in the LAMP2 gene (most disease causing variants cause a loss of function). In summary, additional evidence is needed to determine the significance of this var iant.